The following is an entry in ClinVar:

ClinVar aggregate classification (germline): Pathogenic (1 of 4 stars; one submission).

Conditions:
Asphyxiating thoracic dystrophy 3. Also called: Saldino-Noonan Syndrome; SHORT-RIB THORACIC DYSPLASIA 3 WITH OR WITHOUT POLYDACTYLY; POLYDACTYLY WITH NEONATAL CHONDRODYSTROPHY, TYPE I; SHORT-RIB THORACIC DYSPLASIA 3/6 WITH POLYDACTYLY, DIGENIC; Short rib polydactyly syndrome 2B. Identifiers: Orphanet 474, Orphanet 93269, Orphanet 93270, Orphanet 93271, MedGen C0036069, MONDO:0013127, OMIM 613091.

gnomAD v4.1: 1 of 1,567,056 alleles (0.000064%); highest among the groups gnomAD compares: Non-Finnish European, 0.000087%; no homozygotes.

Submission:

Myriad Genetics, Inc.
Classification: Pathogenic for Asphyxiating thoracic dystrophy 3. Last evaluated: 2024-05-13. Review status: criteria provided, single submitter. Criteria: Myriad Autosomal Dominant, Autosomal Recessive and X-Linked Classification Criteria (2023). Collection method: clinical testing. Allele origin: unknown.
Comment: NM_001377.2(DYNC2H1):c.2881C>T(Q961*) is expected to be pathogenic in the context of DYNC2H1-related disorders. This variant is predicted to lead to an abnormal or absent protein product due to the creation of a premature termination codon in DYNC2H1, a gene where loss-of-function variants are known to be pathogenic. Please note: this variant was assessed in the context of healthy population screening.

NM_001377.3(DYNC2H1):c.2881C>T (p.Gln961Ter)

Gene: DYNC2H1 (dynein cytoplasmic 2 heavy chain 1; plus strand). Cytogenetic location: 11q22.3.
Variant type: single nucleotide variant.
Coding change: c.2881C>T on transcript NM_001377.3 (MANE Select); coding-DNA position 2881, C replaced by T.
Protein change: p.Gln961Ter; replaces glutamine 961 with a stop codon.
Molecular consequence: nonsense.
Genome position (GRCh38, 1-based): chr11:103,148,552, C>T. VCF-style: chr11-103148552-C-T. GRCh37 (hg19) VCF-style: chr11-103019281-C-T.
Other names: c.2881C>T, p.Gln961Ter (NM_001080463.2); short protein forms Q961*.
Identifiers: ClinVar variation 5013048 (VCV005013048.1).